The following is an entry in ClinVar:

NM_000520.6(HEXA):c.1014del (p.Phe338fs)

Gene: HEXA (hexosaminidase subunit alpha; minus strand). Cytogenetic location: 15q23.
Variant type: Deletion.
Coding change: c.1014del on transcript NM_000520.6 (MANE Select); coding-DNA position 1014, one base deleted (T; older notation c.1014delT).
Protein change: p.Phe338fs; shifts the reading frame from phenylalanine 338.
Molecular consequence: frameshift variant. On other transcripts: non-coding transcript variant (1).
Genome position (GRCh38, 1-based): chr15:72,348,107, A deleted on the plus strand (T on the coding strand, the reverse complement: HEXA is on the minus strand); the first of 3 consecutive A bases (chr15:72,348,107-72,348,109); deleting any one gives the same sequence. VCF-style (leftmost placement, unchanged base first): chr15-72348106-TA-T. GRCh37 (hg19) VCF-style: chr15-72640447-TA-T.
Other names: c.1014delT (NM_000520.5); c.1047del, p.Phe349fs (NM_001318825.2); short protein forms F338fs, F349fs.
Identifiers: ClinVar variation 2712729 (VCV002712729.5), dbSNP rs2542520518, ClinGen allele CA2697549194.

ClinVar aggregate classification (germline): Pathogenic/Likely pathogenic. Review status: criteria provided, multiple submitters, no conflicts (2 of 4 stars). 3 submissions from 3 submitters: Pathogenic (2); Likely pathogenic (1). Last evaluated 2025-08-31.

Conditions:
Tay-Sachs disease (TSD). Also called: Hexosaminidase A Deficiency; HEXA Disorders; HEXA DEFICIENCY; GM2 gangliosidosis, type 1; Hexosaminidase alpha-subunit deficiency (variant B); Sphingolipidosis, Tay-Sachs. Identifiers: Orphanet 845, MedGen C0039373, MONDO:0010100, OMIM 272800.

Submissions (3):

Natera, Inc.
Classification: Likely pathogenic for Tay-Sachs disease. Last evaluated: 2025-08-31. Review status: criteria provided, single submitter. Criteria: Natera Variant Classification Schema (03/2026). Collection method: clinical testing. Allele origin: germline.
Comment: The c.1014delT variant in HEXA is a frameshift variant predicted to shift the reading frame beginning at codon 338 and leads to a stop codon 2 codons downstream. This variant is expected to result in nonsense mediated decay, truncation, or a dysfunctional protein product. This variant is rare in the general population with a frequency below the threshold expected for the associated phenotype(s). Given the available evidence, this variant is classified as Likely Pathogenic.

Myriad Genetics, Inc.
Classification: Pathogenic for Tay-Sachs disease. Last evaluated: 2025-01-20. Review status: criteria provided, single submitter. Criteria: Myriad Autosomal Dominant, Autosomal Recessive and X-Linked Classification Criteria (2023). Collection method: clinical testing. Allele origin: unknown.
Comment: NM_000520.4(HEXA):c.1014delT(F338Lfs*2) is expected to be pathogenic in the context of hexosaminidase A deficiency. This variant is predicted to lead to an abnormal or absent protein product due to the creation of a premature termination codon in HEXA, a gene where loss-of-function variants are known to be pathogenic. Please note: this variant was assessed in the context of healthy population screening.

Labcorp Genetics (formerly Invitae), Labcorp
Classification: Pathogenic for Tay-Sachs disease. Last evaluated: 2023-06-12. Review status: criteria provided, single submitter. Criteria: Invitae Variant Classification Sherloc (09022015). Collection method: clinical testing. Allele origin: germline.
Comment: This sequence change creates a premature translational stop signal (p.Phe338Leufs*2) in the HEXA gene. It is expected to result in an absent or disrupted protein product. Loss-of-function variants in HEXA are known to be pathogenic (PMID: 1833974, 8490625). This variant is not present in population databases (gnomAD no frequency). This variant has not been reported in the literature in individuals affected with HEXA-related conditions. For these reasons, this variant has been classified as Pathogenic.

Literature cited by the submitters: PubMed 1833974 (cited by Labcorp Genetics (formerly Invitae), Labcorp); PubMed 8490625 (cited by Labcorp Genetics (formerly Invitae), Labcorp).